The following is an entry in ClinVar:

ClinVar aggregate classification (germline): Likely pathogenic (1 of 4 stars; one submission).

Conditions:
GNE myopathy (NM). Also called: INCLUSION BODY MYOPATHY 2, AUTOSOMAL RECESSIVE; INCLUSION BODY MYOPATHY, HEREDITARY, AUTOSOMAL RECESSIVE; MYOPATHY, DISTAL, WITH OR WITHOUT RIMMED VACUOLES; IBM 2; Inclusion body myopathy autosomal recessive; Inclusion body myopathy quadriceps sparing. Identifiers: Orphanet 602, MedGen C1853926, MONDO:0011603, OMIM 605820.

Submission:

Diagnostics Services (NGS), CSIR - Centre For Cellular And Molecular Biology
Classification: Likely pathogenic for GNE myopathy. Last evaluated: 2024-01-23. Review status: criteria provided, single submitter. Criteria: ACMG Guidelines, 2015. Collection method: clinical testing. Allele origin: unknown. Affected: yes. Observed: 1 variant allele, 1 heterozygote.
Comment: The c.1868del variant is not present in publicly available population databases like 1000 Genomes, EVS, ExAC, gnomAD, Indian Exome Database or our in-house exome database. This variant has neither been published in literature with GNE-related conditions nor reported to the clinical databases like ClinVar, Human Genome Mutation Database (HGMD) or OMIM, in any affected individuals. In-silico pathogenicity prediction programs like MutationTaster2, CADD, varsome, Franklin etc predicted this variant to be likely deleterious. This variant causes frameshift at the 623rd amino acid position of the wild-type transcript which creates a premature translational stop signal at the altered transcript that may either result in translation of a truncated protein or cause nonsense mediated decay of the mRNA.

NM_005476.7(GNE):c.1868del (p.Gly623fs)

Gene: GNE (glucosamine (UDP-N-acetyl)-2-epimerase/N-acetylmannosamine kinase; minus strand). Cytogenetic location: 9p13.3.
Variant type: Deletion.
Coding change: c.1868del on transcript NM_005476.7 (MANE Select); coding-DNA position 1868, one base deleted (G; older notation c.1868delG).
Protein change: p.Gly623fs; shifts the reading frame from glycine 623.
Molecular consequence: frameshift variant.
Genome position (GRCh38, 1-based): chr9:36,218,248, C deleted on the plus strand (G on the coding strand, the reverse complement: GNE is on the minus strand); the first of 3 consecutive C bases (chr9:36,218,248-36,218,250); deleting any one gives the same sequence. VCF-style (leftmost placement, unchanged base first): chr9-36218247-AC-A. GRCh37 (hg19) VCF-style: chr9-36218244-AC-A.
Other names: c.1961del, p.Gly654fs (NM_001128227.3); c.1646del, p.Gly549fs (NM_001190383.3); c.1538del, p.Gly513fs (NM_001190384.3); c.1691del, p.Gly564fs (NM_001190388.2, NM_001374798.1); c.1715del, p.Gly572fs (NM_001374797.1); short protein forms G513fs, G549fs, G564fs, G572fs, G623fs, G654fs.
Identifiers: ClinVar variation 2687774 (VCV002687774.1), dbSNP rs2489591806, ClinGen allele CA2697557711.